The following is an entry in ClinVar:

ClinVar aggregate classification (germline): Uncertain significance (1 of 4 stars; one submission).

Conditions:
Familial thoracic aortic aneurysm and aortic dissection (TAAD). Also called: Thoracic aortic aneurysms and dissections. Identifiers: Orphanet 91387, MedGen C4707243, MONDO:0019625.

Submission:

Color Diagnostics, LLC DBA Color Health
Classification: Uncertain significance for Familial thoracic aortic aneurysm and aortic dissection. Last evaluated: 2024-03-07. Review status: criteria provided, single submitter. Criteria: ACMG Guidelines, 2015. Collection method: clinical testing. Allele origin: germline.
Comment: This missense variant replaces valine with leucine at codon 1795 of the FBN1 protein. Computational prediction suggests that this variant may not impact protein structure and function (internally defined REVEL score threshold <= 0.5, PMID: 27666373). To our knowledge, functional studies have not been reported for this variant. This variant has not been reported in individuals affected with cardiovascular disorders in the literature. This variant has not been identified in the general population by the Genome Aggregation Database (gnomAD). The available evidence is insufficient to determine the role of this variant in disease conclusively. Therefore, this variant is classified as a Variant of Uncertain Significance.

NM_000138.5(FBN1):c.5383G>T (p.Val1795Leu)

Gene: FBN1 (fibrillin 1; minus strand). Cytogenetic location: 15q21.1.
Variant type: single nucleotide variant.
Coding change: c.5383G>T on transcript NM_000138.5 (MANE Select); coding-DNA position 5383, G replaced by T.
Protein change: p.Val1795Leu; replaces valine 1795 with leucine.
Molecular consequence: missense variant.
Genome position (GRCh38, 1-based): chr15:48,456,676, C>A on the plus strand (G>T on the coding strand, the complement: FBN1 is on the minus strand). VCF-style: chr15-48456676-C-A. GRCh37 (hg19) VCF-style: chr15-48748873-C-A.
Other names: short protein forms V1795L.
Identifiers: ClinVar variation 1172139 (VCV001172139.3), dbSNP rs2141260344, ClinGen allele CA392345966.